The following is an entry in ClinVar:

ClinVar aggregate classification (germline): Uncertain significance (1 of 4 stars; one submission).

Conditions:
Charcot-Marie-Tooth disease type 2. Also called: Charcot-Marie-Tooth type 2. Identifiers: Orphanet 64746, MedGen C0270914, MONDO:0018993.

Submission:

Labcorp Genetics (formerly Invitae), Labcorp
Classification: Uncertain significance for Charcot-Marie-Tooth disease type 2. Last evaluated: 2021-10-14. Review status: criteria provided, single submitter. Criteria: Invitae Variant Classification Sherloc (09022015). Collection method: clinical testing. Allele origin: germline.
Comment: This sequence change replaces lysine with glutamic acid at codon 311 of the LMNA protein (p.Lys311Glu). The lysine residue is highly conserved and there is a small physicochemical difference between lysine and glutamic acid. This variant is not present in population databases (ExAC no frequency). This missense change has been observed in individual(s) with cardiomyopathy or conduction defect (PMID: 31383942). Algorithms developed to predict the effect of missense changes on protein structure and function are either unavailable or do not agree on the potential impact of this missense change (SIFT: "Deleterious"; PolyPhen-2: "Benign"; Align-GVGD: "Class C55"). In summary, the available evidence is currently insufficient to determine the role of this variant in disease. Therefore, it has been classified as a Variant of Uncertain Significance.

Literature cited by the submitters: PubMed 31383942.

NM_170707.4(LMNA):c.931A>G (p.Lys311Glu)

Gene: LMNA (lamin A/C; plus strand). Cytogenetic location: 1q22.
Variant type: single nucleotide variant.
Coding change: c.931A>G on transcript NM_170707.4 (MANE Select); coding-DNA position 931, A replaced by G.
Protein change: p.Lys311Glu; replaces lysine 311 with glutamic acid.
Molecular consequence: missense variant.
Genome position (GRCh38, 1-based): chr1:156,135,307, A>G. VCF-style: chr1-156135307-A-G. GRCh37 (hg19) VCF-style: chr1-156105098-A-G.
Other names: c.595A>G, p.Lys199Glu (NM_001257374.3); c.688A>G, p.Lys230Glu (NM_001282624.2); c.931A>G, p.Lys311Glu (NM_001282625.2, NM_001282626.2, NM_005572.4 and 1 more transcripts); short protein forms K199E, K230E, K311E.
Identifiers: ClinVar variation 1470674 (VCV001470674.5), dbSNP rs2102884264, ClinGen allele CA342818063.